The following is an entry in ClinVar:

NM_001083619.3(GRIA2):c.1267-4A>G

Gene: GRIA2 (glutamate ionotropic receptor AMPA type subunit 2; plus strand). Cytogenetic location: 4q32.1.
Variant type: single nucleotide variant.
Coding change: c.1267-4A>G on transcript NM_001083619.3 (MANE Select); 4 bases into the intron before coding-DNA position 1267, A replaced by G.
Molecular consequence: intron variant.
Genome position (GRCh38, 1-based): chr4:157,335,667, A>G. VCF-style: chr4-157335667-A-G. GRCh37 (hg19) VCF-style: chr4-158256819-A-G.
Other names: c.1126-4A>G (NM_001379000.3, NM_001379001.3, NM_001083620.3); c.1267-4A>G (NM_000826.6).
Identifiers: ClinVar variation 2230843 (VCV002230843.2), dbSNP rs2530749816, ClinGen allele CA2580071629.

ClinVar aggregate classification (germline): Uncertain significance (1 of 4 stars; one submission).

Conditions:
Inborn genetic diseases. Identifiers: MedGen C0950123, MeSH D030342.

Allele frequency attached by ClinVar (database versions not stated): gnomAD exomes below 0.00001.
gnomAD v4.1: 2 of 1,564,050 alleles (0.00013%); highest among the groups gnomAD compares: Non-Finnish European, 0.000088%; no homozygotes.

Submission:

Ambry Genetics
Classification: Uncertain significance for Inborn genetic diseases. Last evaluated: 2021-05-03. Review status: criteria provided, single submitter. Criteria: Ambry Variant Classification Scheme 2023. Collection method: clinical testing. Allele origin: germline.
Comment: The c.1267-4A>G intronic alteration consists of a A to G substitution 4 nucleotides before coding exon 10 in the GRIA2 gene. In silico splice site analysis predicts that this alteration will not have any significant effect on splicing. Based on insufficient or conflicting evidence, the clinical significance of this alteration remains unclear.